The following is an entry in ClinVar:

ClinVar aggregate classification (germline): Uncertain significance (1 of 4 stars; one submission).

Conditions:
Inborn genetic diseases. Identifiers: MedGen C0950123, MeSH D030342.

Allele frequency attached by ClinVar (database versions not stated): gnomAD exomes below 0.00001.
gnomAD v4.1: 1 of 1,613,936 alleles (0.000062%); highest among the groups gnomAD compares: African/African-American, 0.0013%; no homozygotes.

Submission:

Ambry Genetics
Classification: Uncertain significance for Inborn genetic diseases. Last evaluated: 2023-04-07. Review status: criteria provided, single submitter. Criteria: Ambry Variant Classification Scheme 2023. Collection method: clinical testing. Allele origin: germline.
Comment: The p.K160T variant (also known as c.479A>C), located in coding exon 5 of the EPAS1 gene, results from an A to C substitution at nucleotide position 479. The lysine at codon 160 is replaced by threonine, an amino acid with similar properties. This amino acid position is conserved. In addition, this alteration is predicted to be tolerated by in silico analysis. Since supporting evidence is limited at this time, the clinical significance of this alteration remains unclear.

NM_001430.5(EPAS1):c.479A>C (p.Lys160Thr)

Genes: EPAS1 (endothelial PAS domain protein 1; plus strand), LOC126806210 (BRD4-independent group 4 enhancer GRCh37_chr2:46587586-46588785; plus strand). Cytogenetic location: 2p21.
Variant type: single nucleotide variant.
Coding change: c.479A>C on transcript NM_001430.5 (MANE Select); coding-DNA position 479, A replaced by C.
Protein change: p.Lys160Thr; replaces lysine 160 with threonine.
Molecular consequence: missense variant.
Genome position (GRCh38, 1-based): chr2:46,360,662, A>C. VCF-style: chr2-46360662-A-C. GRCh37 (hg19) VCF-style: chr2-46587801-A-C.
Other names: short protein forms K160T.
Identifiers: ClinVar variation 2565053 (VCV002565053.2), dbSNP rs1445965892, ClinGen allele CA346699001.